The following is an entry in ClinVar:

NM_001142864.4(PIEZO1):c.919G>A (p.Gly307Ser)

Genes: HSALR1 (HSP90AB1 associated lncRNA 1; plus strand), PIEZO1 (piezo type mechanosensitive ion channel component 1 (Er blood group); minus strand). Cytogenetic location: 16q24.3.
Variant type: single nucleotide variant.
Coding change: c.919G>A on transcript NM_001142864.4 (MANE Select); coding-DNA position 919, G replaced by A.
Protein change: p.Gly307Ser; replaces glycine 307 with serine.
Molecular consequence: missense variant. On other transcripts: non-coding transcript variant (1).
Genome position (GRCh38, 1-based): chr16:88,738,035, C>T on the plus strand (G>A on the coding strand, the complement: PIEZO1 is on the minus strand). VCF-style: chr16-88738035-C-T. GRCh37 (hg19) VCF-style: chr16-88804443-C-T.
Other names: p.Gly307Ser; c.919G>A (NM_001142864.3); short protein forms G307S.
Identifiers: ClinVar variation 3380437 (VCV003380437.4).

ClinVar aggregate classification (germline): Conflicting classifications of pathogenicity. Review status: criteria provided, conflicting classifications (1 of 4 stars). 3 submissions from 3 submitters: Uncertain significance (2); Benign (1). Last evaluated 2024-10-07.

Conditions:
PIEZO1-related disorder. Also called: PIEZO1-related condition; PIEZO1-Related Disorders.

gnomAD v4.1: 254 of 1,535,744 alleles (0.017%); highest among the groups gnomAD compares: East Asian, 0.066%; 1 homozygote.

Submissions (3):

PreventionGenetics, part of Exact Sciences
Classification: Uncertain significance for PIEZO1-related condition. Last evaluated: 2024-10-07. Review status: criteria provided, single submitter. Criteria: ACMG Guidelines, 2015. Collection method: clinical testing. Allele origin: germline.
Comment: The PIEZO1 c.919G>A variant is predicted to result in the amino acid substitution p.Gly307Ser. To our knowledge, this variant has not been reported in the literature. This variant is reported in 0.082% of alleles in individuals of East Asian descent in gnomAD, which may be too common to be causative. Although we suspect that this variant may be benign, at this time, the clinical significance of this variant is uncertain due to the absence of conclusive functional and genetic evidence.

Mayo Clinic Laboratories, Mayo Clinic
Classification: Uncertain significance. Last evaluated: 2024-06-20. Review status: criteria provided, single submitter. Criteria: ACMG Guidelines, 2015. Collection method: clinical testing. Allele origin: germline. Observed: 1 variant allele.
Comment: BP4, PM4

Labcorp Genetics (formerly Invitae), Labcorp
Classification: Benign. Last evaluated: 2024-05-14. Review status: criteria provided, single submitter. Criteria: Invitae Variant Classification Sherloc (09022015). Collection method: clinical testing. Allele origin: germline.